The following is an entry in ClinVar:

ClinVar aggregate classification (germline): Likely benign. Review status: criteria provided, multiple submitters, no conflicts (2 of 4 stars). 3 submissions from 3 submitters: Likely benign (3). Last evaluated 2026-01-28.

Allele frequency attached by ClinVar (database versions not stated): ExAC 0.00012; gnomAD 0.00013; gnomAD exomes 0.00014; TOPMed 0.00018; 1000 Genomes Project 30x 0.00031; 1000 Genomes Project 0.00040; ESP Exome Variant Server 0.00046.
gnomAD v4.1: 246 of 1,612,694 alleles (0.015%); highest among the groups gnomAD compares: African/African-American, 0.02%; 1 homozygote.

Submissions (3):

Labcorp Genetics (formerly Invitae), Labcorp
Classification: Likely benign. Last evaluated: 2026-01-28. Review status: criteria provided, single submitter. Criteria: Invitae Variant Classification Sherloc (09022015). Collection method: clinical testing. Allele origin: germline.

CeGaT Center for Human Genetics Tuebingen
Classification: Likely benign. Last evaluated: 2025-03-01. Review status: criteria provided, single submitter. Criteria: CeGaT Center For Human Genetics Tuebingen Variant Classification Criteria Version 2. Collection method: clinical testing. Allele origin: germline. Affected: yes. Observed: 2 variant alleles.
Comment: SLC1A2: BP4, BP7

Blueprint Genetics
Classification: Likely benign. Last evaluated: 2024-11-13. Review status: criteria provided, single submitter. Criteria: ACMG Guidelines, 2015. Collection method: clinical testing. Allele origin: germline.

NM_004171.4(SLC1A2):c.1335C>T (p.Ala445=)

Gene: SLC1A2 (solute carrier family 1 member 2; minus strand). Cytogenetic location: 11p13.
Variant type: single nucleotide variant.
Coding change: c.1335C>T on transcript NM_004171.4 (MANE Select); coding-DNA position 1335, C replaced by T.
Protein change: p.Ala445=; no amino-acid change (alanine 445 retained).
Molecular consequence: synonymous variant.
Genome position (GRCh38, 1-based): chr11:35,280,953, G>A on the plus strand (C>T on the coding strand, the complement: SLC1A2 is on the minus strand). VCF-style: chr11-35280953-G-A. GRCh37 (hg19) VCF-style: chr11-35302500-G-A.
Other names: c.1308C>T, p.Ala436= (NM_001195728.3, NM_001252652.2).
Identifiers: ClinVar variation 707146 (VCV000707146.33), dbSNP rs139804773, ClinGen allele CA5947097.